The following is an entry in ClinVar:

NM_000202.8(IDS):c.1270_1271insCC (p.Val424fs)

Gene: IDS (iduronate 2-sulfatase; minus strand). Cytogenetic location: Xq28.
Variant type: Insertion.
Coding change: c.1270_1271insCC on transcript NM_000202.8 (MANE Select); coding-DNA positions 1270 to 1271, CC inserted.
Protein change: p.Val424fs; shifts the reading frame from valine 424.
Molecular consequence: frameshift variant.
Genome position: GRCh38 VCF-style: chrX-149483128-A-AGG. GRCh37 (hg19) VCF-style: chrX-148564659-A-AGG.
Other names: c.1000_1001insCC, p.Val334fs (NM_001166550.4); short protein forms V334fs, V424fs.
Identifiers: ClinVar variation 3256007 (VCV003256007.2).
Genomic context (GRCh38, chrX:149,483,128, plus strand): 5'-AATCGAAAATGCTTCAGAAGGTTCTTGCCTTCTCTGCACAGCTCAACGTGAAATGAAGGA[A>AGG]CGGGGCAGCGAGGTGGAACCTGCAGTCCTGCAAGTCCAGCCAGCGTGGGAAAAAGAGACA-3'

ClinVar aggregate classification (germline): Pathogenic (1 of 4 stars; one submission).

Conditions:
Mucopolysaccharidosis, MPS-II (MPS2). Also called: Hunter Syndrome; IDURONATE 2-SULFATASE DEFICIENCY; Mucopolysaccharidosis Type II; Mucopolysaccharidosis type 2; Attenuated MPS (subtype; formerly known as mild MPS II); Severe MPS II. Identifiers: Orphanet 580, Orphanet 79388, MedGen C0026705, MONDO:0010674, OMIM 309900.

Submission:

Laboratory of Diagnosis and Therapy of Lysosomal Disorders, University of Padova
Classification: Pathogenic for Mucopolysaccharidosis, MPS-II. Last evaluated: 2024-06-07. Review status: criteria provided, single submitter. Criteria: ACMG Guidelines, 2015. Collection method: literature only. Allele origin: germline. Affected: yes. Observed: 1 variant allele.
Comment: Null variant (PVS1_Strong), Absent from controls (or at low frequency) in gnomAD database (PM2_Moderate), Patient’s phenotype or family history highly specific for the disease (PP4_Strong)

Classification method: ACMG Guidelines [PMID:25741868] with modifications

Literature cited by the submitters: PubMed 24515576.